The following is an entry in ClinVar:

ClinVar aggregate classification (germline): Uncertain significance (1 of 4 stars; one submission).

Submission:

Labcorp Genetics (formerly Invitae), Labcorp
Classification: Uncertain significance. Last evaluated: 2024-01-11. Review status: criteria provided, single submitter. Criteria: Invitae Variant Classification Sherloc (09022015). Collection method: clinical testing. Allele origin: germline.
Comment: This sequence change falls in intron 7 of the DRP2 gene. It does not directly change the encoded amino acid sequence of the DRP2 protein. This variant is not present in population databases (gnomAD no frequency). This variant has not been reported in the literature in individuals affected with DRP2-related conditions. Algorithms developed to predict the effect of sequence changes on RNA splicing suggest that this variant may disrupt the consensus splice site. In summary, the available evidence is currently insufficient to determine the role of this variant in disease. Therefore, it has been classified as a Variant of Uncertain Significance.

NM_001939.3(DRP2):c.829-18T>A

Gene: DRP2 (dystrophin related protein 2; plus strand). Cytogenetic location: Xq22.1.
Variant type: single nucleotide variant.
Coding change: c.829-18T>A on transcript NM_001939.3 (MANE Select); 18 bases into the intron before coding-DNA position 829, T replaced by A.
Molecular consequence: intron variant.
Genome position (GRCh38, 1-based): chrX:101,242,307, T>A. VCF-style: chrX-101242307-T-A. GRCh37 (hg19) VCF-style: chrX-100497296-T-A.
Other names: c.595-18T>A (NM_001171184.2).
Identifiers: ClinVar variation 2708882 (VCV002708882.3), dbSNP rs2523070503, ClinGen allele CA2697544638.